The following is an entry in ClinVar:

ClinVar aggregate classification (germline): Uncertain significance. Review status: criteria provided, multiple submitters, no conflicts (2 of 4 stars). 2 submissions from 2 submitters: Uncertain significance (2). Last evaluated 2024-02-20.

Conditions:
Ciliary dyskinesia, primary, 40. Also called: CILIARY DYSKINESIA, PRIMARY, 40, WITH OR WITHOUT SITUS INVERSUS. Identifiers: MedGen C4749028, MONDO:0032664, OMIM 618300.

Allele frequency attached by ClinVar (database versions not stated): gnomAD 0.00001; TOPMed 0.00002.

Submissions (2):

Fulgent Genetics
Classification: Uncertain significance for Ciliary dyskinesia, primary, 40. Last evaluated: 2024-02-20. Review status: criteria provided, single submitter. Criteria: ACMG Guidelines, 2015. Collection method: clinical testing. Allele origin: germline.

Labcorp Genetics (formerly Invitae), Labcorp
Classification: Uncertain significance. Last evaluated: 2022-06-11. Review status: criteria provided, single submitter. Criteria: Invitae Variant Classification Sherloc (09022015). Collection method: clinical testing. Allele origin: germline.
Comment: Algorithms developed to predict the effect of missense changes on protein structure and function are either unavailable or do not agree on the potential impact of this missense change (SIFT: "Deleterious"; PolyPhen-2: "Probably Damaging"; Align-GVGD: "Class C0"). In summary, the available evidence is currently insufficient to determine the role of this variant in disease. Therefore, it has been classified as a Variant of Uncertain Significance. This variant has not been reported in the literature in individuals affected with DNAH9-related conditions. This variant is not present in population databases (gnomAD no frequency). This sequence change replaces aspartic acid, which is acidic and polar, with glutamic acid, which is acidic and polar, at codon 1882 of the DNAH9 protein (p.Asp1882Glu).

NM_001372.4(DNAH9):c.5646C>A (p.Asp1882Glu)

Gene: DNAH9 (dynein axonemal heavy chain 9; plus strand). Cytogenetic location: 17p12.
Variant type: single nucleotide variant.
Coding change: c.5646C>A on transcript NM_001372.4 (MANE Select); coding-DNA position 5646, C replaced by A.
Protein change: p.Asp1882Glu; replaces aspartic acid 1882 with glutamic acid.
Molecular consequence: missense variant.
Genome position (GRCh38, 1-based): chr17:11,719,427, C>A. VCF-style: chr17-11719427-C-A. GRCh37 (hg19) VCF-style: chr17-11622744-C-A.
Other names: short protein forms D1882E.
Identifiers: ClinVar variation 2088922 (VCV002088922.5), dbSNP rs897951354, ClinGen allele CA287801011.